The following is an entry in ClinVar:

NM_000059.4(BRCA2):c.7256T>C (p.Val2419Ala)

Gene: BRCA2 (BRCA2 DNA repair associated; plus strand). Cytogenetic location: 13q13.1.
Variant type: single nucleotide variant.
Coding change: c.7256T>C on transcript NM_000059.4 (MANE Select); coding-DNA position 7256, T replaced by C.
Protein change: p.Val2419Ala; replaces valine 2419 with alanine.
Molecular consequence: missense variant. On other transcripts: non-coding transcript variant (1).
Genome position (GRCh38, 1-based): chr13:32,355,109, T>C. VCF-style: chr13-32355109-T-C. GRCh37 (hg19) VCF-style: chr13-32929246-T-C.
Other names: c.7160T>C, p.Val2387Ala (NM_001406719.1); c.7256T>C, p.Val2419Ala (NM_001406720.1, NM_001432077.1); c.2324T>C, p.Val775Ala (NM_001406721.1); c.839T>C, p.Val280Ala (NM_001406722.1); short protein forms V2387A, V2419A, V280A, V775A.
Identifiers: ClinVar variation 4756271 (VCV004756271.1).
Genomic context (GRCh38, chr13:32,355,109, plus strand): 5'-CAGGCAGACCAACCAAAGTCTTTGTTCCACCTTTTAAAACTAAATCACATTTTCACAGAG[T>C]TGAACAGTGTGTTAGGAATATTAACTTGGAGGAAAACAGACAAAAGCAAAACATTGATGG-3'
Protein context (NP_000050.3, residues 2409-2429): PFKTKSHFHR[Val2419Ala]EQCVRNINLE

ClinVar aggregate classification (germline): Uncertain significance (1 of 4 stars; one submission).

Conditions:
Hereditary cancer-predisposing syndrome. Also called: Tumor predisposition; Hereditary Cancer Syndrome; Neoplastic Syndromes, Hereditary; Hereditary neoplastic syndrome. Identifiers: Orphanet 140162, MedGen C0027672, MeSH D009386, MONDO:0015356.

gnomAD v4.1: 1 of 1,613,750 alleles (0.000062%); no homozygotes.

Submission:

Color Diagnostics, LLC DBA Color Health
Classification: Uncertain significance for Hereditary cancer-predisposing syndrome. Last evaluated: 2025-09-05. Review status: criteria provided, single submitter. Criteria: ACMG Guidelines, 2015. Collection method: clinical testing. Allele origin: germline.
Comment: This missense variant replaces valine with alanine at codon 2419 of the BRCA2 protein. Computational prediction suggests that this variant may not impact protein structure and function. To our knowledge, functional studies have not been reported for this variant. This variant has not been reported in individuals affected with BRCA2-related disorders in the literature. This variant has not been identified in the general population by the Genome Aggregation Database (gnomAD). The available evidence is insufficient to determine the role of this variant in disease conclusively. Therefore, this variant is classified as a Variant of Uncertain Significance.